The following is an entry in ClinVar:

ClinVar aggregate classification (germline): Likely benign. Review status: criteria provided, multiple submitters, no conflicts (2 of 4 stars). 2 submissions from 2 submitters: Likely benign (2). Last evaluated 2026-01-24.

Conditions:
Hereditary spastic paraplegia 49 (HSAN9). Also called: TECPR2-Related Hereditary Sensory and Autonomic Neuropathy with Intellectual Disability; Spastic paraplegia 49, autosomal recessive; NEUROPATHY, HEREDITARY SENSORY AND AUTONOMIC, TYPE IX, WITH DEVELOPMENTAL DELAY. Identifiers: Orphanet 320385, MedGen C5190860, MONDO:0014016, OMIM 615031.

Allele frequency attached by ClinVar (database versions not stated): gnomAD exomes below 0.00001 and 0.00001; gnomAD 0.00001; ExAC 0.00002; TOPMed 0.00002.
gnomAD v4.1: 18 of 1,610,768 alleles (0.0011%); highest among the groups gnomAD compares: East Asian, 0.0045%; no homozygotes.

Submissions (2):

Labcorp Genetics (formerly Invitae), Labcorp
Classification: Likely benign for Hereditary spastic paraplegia 49. Last evaluated: 2026-01-24. Review status: criteria provided, single submitter. Criteria: Invitae Variant Classification Sherloc (09022015). Collection method: clinical testing. Allele origin: germline.

GeneDx
Classification: Likely benign. Last evaluated: 2017-01-15. Review status: criteria provided, single submitter. Criteria: GeneDx Variant Classification (06012015). Collection method: clinical testing. Allele origin: germline. Affected: yes.
Comment: This variant is considered likely benign or benign based on one or more of the following criteria: it is a conservative change, it occurs at a poorly conserved position in the protein, it is predicted to be benign by multiple in silico algorithms, and/or has population frequency not consistent with disease.

NM_014844.5(TECPR2):c.2395-19C>T

Gene: TECPR2 (tectonin beta-propeller repeat containing 2; plus strand). Cytogenetic location: 14q32.31.
Variant type: single nucleotide variant.
Coding change: c.2395-19C>T on transcript NM_014844.5 (MANE Select); 19 bases into the intron before coding-DNA position 2395, C replaced by T.
Molecular consequence: intron variant.
Genome position (GRCh38, 1-based): chr14:102,438,003, C>T. VCF-style: chr14-102438003-C-T. GRCh37 (hg19) VCF-style: chr14-102904340-C-T.
Other names: c.2395-19C>T (NM_001172631.3).
Identifiers: ClinVar variation 392587 (VCV000392587.4), dbSNP rs749985958, ClinGen allele CA7357913.